The following is an entry in ClinVar:

NM_001370466.1(NOD2):c.790G>A (p.Asp264Asn)

Gene: NOD2 (nucleotide binding oligomerization domain containing 2; plus strand). Cytogenetic location: 16q12.1.
Variant type: single nucleotide variant.
Coding change: c.790G>A on transcript NM_001370466.1 (MANE Select); coding-DNA position 790, G replaced by A.
Protein change: p.Asp264Asn; replaces aspartic acid 264 with asparagine.
Molecular consequence: missense variant. On other transcripts: non-coding transcript variant (1).
Genome position (GRCh38, 1-based): chr16:50,710,782, G>A. VCF-style: chr16-50710782-G-A. GRCh37 (hg19) VCF-style: chr16-50744693-G-A.
Other names: c.871G>A (LRG_177t1, NM_022162.2); c.790G>A, p.Asp264Asn (NM_001293557.2); c.871G>A, p.Asp291Asn (NM_022162.3); short protein forms D291N, D264N.
Identifiers: ClinVar variation 97882 (VCV000097882.2), dbSNP rs104895424, ClinGen allele CA150345.
Genomic context (GRCh38, chr16:50,710,782, plus strand): 5'-AAGAGCCCAGCCACCCTGGGCCTGGAGGAGCTCTTCAGCACCCCTGGCCACCTCAATGAC[G>A]ATGCGGACACTGTGCTGGTGGTGGGTGAGGCGGGCAGTGGCAAGAGCACGCTCCTGCAGC-3'
Protein context (NP_001357395.1, residues 254-274): LFSTPGHLND[Asp264Asn]ADTVLVVGEA

ClinVar aggregate classification (germline): Uncertain significance. Review status: criteria provided, single submitter (1 of 4 stars). 2 submissions from 2 submitters: Uncertain significance (1). 1 of the submissions does not count toward it. Last evaluated 2022-07-06.

Conditions:
Blau syndrome (BLAUS). Also called: ARTHROCUTANEOUVEAL GRANULOMATOSIS; GRANULOMATOSIS, FAMILIAL JUVENILE SYSTEMIC; GRANULOMATOSIS, FAMILIAL, BLAU TYPE; GRANULOMATOUS INFLAMMATORY ARTHRITIS, DERMATITIS, AND UVEITIS, FAMILIAL; JABS SYNDROME. Identifiers: Orphanet 90340, MedGen C5201146, MONDO:0008523, OMIM 186580.

Allele frequency attached by ClinVar (database versions not stated): gnomAD exomes 0.00001 and 0.00002; TOPMed 0.00001; gnomAD 0.00002.
gnomAD v4.1: 27 of 1,614,000 alleles (0.0017%); highest among the groups gnomAD compares: African/African-American, 0.0027%; no homozygotes.

Submissions (2):

Mayo Clinic Laboratories, Mayo Clinic
Classification: Uncertain significance. Last evaluated: 2022-07-06. Review status: criteria provided, single submitter. Criteria: ACMG Guidelines, 2015. Collection method: clinical testing. Allele origin: germline. Observed: 1 variant allele.
Comment: PS3_moderate

Unité médicale des maladies autoinflammatoires, CHRU Montpellier
No classification provided. Condition: Sarcoidosis, early-onset. Review status: no classification provided. Collection method: not provided. Allele origin: unknown. Not counted in ClinVar's aggregate classification.
Comment: also involved in OMIM 186580 and 266600

Literature cited by the submitters: PubMed 11385576 (cited by Mayo Clinic Laboratories, Mayo Clinic); PubMed 11875755 (cited by Mayo Clinic Laboratories, Mayo Clinic); PubMed 12626759 (cited by Mayo Clinic Laboratories, Mayo Clinic); PubMed 15620648 (cited by Mayo Clinic Laboratories, Mayo Clinic); PubMed 21097508 (cited by Mayo Clinic Laboratories, Mayo Clinic).